The following is an entry in ClinVar:

NM_015425.6(POLR1A):c.2970G>A (p.Arg990=)

Gene: POLR1A (RNA polymerase I subunit A; minus strand). Cytogenetic location: 2p11.2.
Variant type: single nucleotide variant.
Coding change: c.2970G>A on transcript NM_015425.6 (MANE Select); coding-DNA position 2970, G replaced by A.
Protein change: p.Arg990=; no amino-acid change (arginine 990 retained).
Molecular consequence: synonymous variant.
Genome position (GRCh38, 1-based): chr2:86,044,304, C>T on the plus strand (G>A on the coding strand, the complement: POLR1A is on the minus strand). VCF-style: chr2-86044304-C-T. GRCh37 (hg19) VCF-style: chr2-86271427-C-T.
Other names: c.2970G>A (NM_015425.3).
Identifiers: ClinVar variation 2052271 (VCV002052271.7), dbSNP rs776511562, ClinGen allele CA1745888.
Genomic context (GRCh38, chr2:86,044,304, plus strand): 5'-ACTGTCACGGACCGTGAGATCATACTGCACGACCAGCCCCTCTAGGTGCTTGATGATGCA[C>T]CTGTAAGGACACCATCGGCTCAGTCCCCGCCGGCCCATCACCTCCCCAGGGCAGCCTCTG-3'
Protein context (NP_056240.2, residues 980-1000): VKTSRSGYLQ[Arg990=]CIIKHLEGLV

ClinVar aggregate classification (germline): Conflicting classifications of pathogenicity. Review status: criteria provided, conflicting classifications (1 of 4 stars). 3 submissions from 3 submitters: Uncertain significance (2); Likely benign (1). Last evaluated 2025-09-03.

Conditions:
Inborn genetic diseases. Identifiers: MedGen C0950123, MeSH D030342.

Allele frequency attached by ClinVar (database versions not stated): ExAC 0.00003; gnomAD 0.00003; TOPMed 0.00004; gnomAD exomes 0.00008.
gnomAD v4.1: 124 of 1,614,042 alleles (0.0077%); highest among the groups gnomAD compares: Non-Finnish European, 0.01%; no homozygotes.

Submissions (3):

Dasa
Classification: Uncertain significance. Last evaluated: 2025-09-03. Review status: criteria provided, single submitter. Criteria: DASA Assertion Criteria. Collection method: clinical testing. Allele origin: germline.
Comment: NM_015425.6(POLR1A):c.2970G>A (p.Arg990=) is a synonymous variant predicted not to alter the encoded amino acid sequence. This variant is rare in population databases. Computational prediction algorithms are consistent with a benign effect. The currently available literature and clinical evidence are not sufficient to establish a definitive association between this variant and the reported condition. Therefore, this variant is classified as a variant of uncertain significance.

Labcorp Genetics (formerly Invitae), Labcorp
Classification: Uncertain significance. Last evaluated: 2025-06-08. Review status: criteria provided, single submitter. Criteria: Invitae Variant Classification Sherloc (09022015). Collection method: clinical testing. Allele origin: germline.
Comment: This sequence change affects codon 990 of the POLR1A mRNA. It is a 'silent' change, meaning that it does not change the encoded amino acid sequence of the POLR1A protein. It affects a nucleotide within the consensus splice site. This variant is present in population databases (rs776511562, gnomAD 0.005%). This variant has not been reported in the literature in individuals affected with POLR1A-related conditions. ClinVar contains an entry for this variant (Variation ID: 2052271). Algorithms developed to predict the effect of sequence changes on RNA splicing suggest that this variant is not likely to affect RNA splicing. In summary, the available evidence is currently insufficient to determine the role of this variant in disease. Therefore, it has been classified as a Variant of Uncertain Significance.

Ambry Genetics
Classification: Likely benign for Inborn genetic diseases. Last evaluated: 2025-05-16. Review status: criteria provided, single submitter. Criteria: Ambry Variant Classification Scheme 2023. Collection method: clinical testing. Allele origin: germline.